The following is an entry in ClinVar:

NM_000245.4(MET):c.1701G>C (p.Lys567Asn)

Gene: MET (MET proto-oncogene, receptor tyrosine kinase; plus strand). Cytogenetic location: 7q31.2.
Variant type: single nucleotide variant.
Coding change: c.1701G>C on transcript NM_000245.4 (MANE Select); coding-DNA position 1701, G replaced by C.
Protein change: p.Lys567Asn; replaces lysine 567 with asparagine.
Molecular consequence: missense variant.
Genome position (GRCh38, 1-based): chr7:116,741,025, G>C. VCF-style: chr7-116741025-G-C. GRCh37 (hg19) VCF-style: chr7-116381079-G-C.
Other names: c.1701G>C, p.Lys567Asn (NM_001127500.3, NM_001324401.3); c.411G>C, p.Lys137Asn (NM_001324402.2); short protein forms K137N, K567N.
Identifiers: ClinVar variation 843343 (VCV000843343.9), dbSNP rs1793429265, ClinGen allele CA368975939.

ClinVar aggregate classification (germline): Uncertain significance (1 of 4 stars; one submission).

Conditions:
Renal cell carcinoma. Identifiers: Orphanet 217071, MedGen C0007134, MeSH D002292, MONDO:0005086, HP:0005584.

Submission:

Labcorp Genetics (formerly Invitae), Labcorp
Classification: Uncertain significance for Renal cell carcinoma. Last evaluated: 2019-11-21. Review status: criteria provided, single submitter. Criteria: Invitae Variant Classification Sherloc (09022015). Collection method: clinical testing. Allele origin: germline.
Comment: This variant has not been reported in the literature in individuals with MET-related conditions. In summary, the available evidence is currently insufficient to determine the role of this variant in disease. Therefore, it has been classified as a Variant of Uncertain Significance. Nucleotide substitutions within the consensus splice site are a relatively common cause of aberrant splicing (PMID: 17576681, 9536098). Algorithms developed to predict the effect of sequence changes on RNA splicing suggest that this variant may disrupt the consensus splice site, but this prediction has not been confirmed by published transcriptional studies. Algorithms developed to predict the effect of missense changes on protein structure and function are either unavailable or do not agree on the potential impact of this missense change (SIFT: "Tolerated"; PolyPhen-2: "Possibly Damaging"; Align-GVGD: "Class C0"). This variant is not present in population databases (ExAC no frequency). This sequence change replaces lysine with asparagine at codon 567 of the MET protein (p.Lys567Asn). The lysine residue is weakly conserved and there is a moderate physicochemical difference between lysine and asparagine. This variant also falls at the last nucleotide of exon 5 of the MET coding sequence, which is part of the consensus splice site for this exon.

Literature cited by the submitters: PubMed 17576681; PubMed 9536098.